The following is an entry in ClinVar:

NM_001486.4(GCKR):c.1600T>C (p.Cys534Arg)

Gene: GCKR (glucokinase regulator; plus strand). Cytogenetic location: 2p23.3.
Variant type: single nucleotide variant.
Coding change: c.1600T>C on transcript NM_001486.4 (MANE Select); coding-DNA position 1600, T replaced by C.
Protein change: p.Cys534Arg; replaces cysteine 534 with arginine.
Molecular consequence: missense variant.
Genome position (GRCh38, 1-based): chr2:27,522,487, T>C. VCF-style: chr2-27522487-T-C. GRCh37 (hg19) VCF-style: chr2-27745354-T-C.
Other names: short protein forms C534R.
Identifiers: ClinVar variation 3622262 (VCV003622262.2).

ClinVar aggregate classification (germline): Uncertain significance (1 of 4 stars; one submission).

Submission:

Labcorp Genetics (formerly Invitae), Labcorp
Classification: Uncertain significance. Last evaluated: 2024-07-01. Review status: criteria provided, single submitter. Criteria: Invitae Variant Classification Sherloc (09022015). Collection method: clinical testing. Allele origin: germline.
Comment: This sequence change replaces cysteine, which is neutral and slightly polar, with arginine, which is basic and polar, at codon 534 of the GCKR protein (p.Cys534Arg). This variant is not present in population databases (gnomAD no frequency). This variant has not been reported in the literature in individuals affected with GCKR-related conditions. Advanced modeling of protein sequence and biophysical properties (such as structural, functional, and spatial information, amino acid conservation, physicochemical variation, residue mobility, and thermodynamic stability) performed at Invitae indicates that this missense variant is expected to disrupt GCKR protein function with a positive predictive value of 80%. In summary, the available evidence is currently insufficient to determine the role of this variant in disease. Therefore, it has been classified as a Variant of Uncertain Significance.